The following is an entry in ClinVar:

NM_001374504.1(TMPRSS6):c.1984del (p.Leu662fs)

Gene: TMPRSS6 (transmembrane serine protease 6; minus strand). Cytogenetic location: 22q12.3.
Variant type: Deletion.
Coding change: c.1984del on transcript NM_001374504.1 (MANE Select); coding-DNA position 1984, one base deleted (C; older notation c.1984delC).
Protein change: p.Leu662fs; shifts the reading frame from leucine 662.
Molecular consequence: frameshift variant.
Genome position (GRCh38, 1-based): chr22:37,069,202, G deleted on the plus strand (C on the coding strand, the reverse complement: TMPRSS6 is on the minus strand). VCF-style (leftmost placement, unchanged base first): chr22-37069201-AG-A. GRCh37 (hg19) VCF-style: chr22-37465241-AG-A.
Other names: c.1984del, p.Leu662fs (NM_001289000.2, NM_001289001.2, NM_153609.4); c.2011del (NM_153609.3); short protein forms L662fs.
Identifiers: ClinVar variation 3704495 (VCV003704495.3).

ClinVar aggregate classification (germline): Pathogenic/Likely pathogenic. Review status: criteria provided, multiple submitters, no conflicts (2 of 4 stars). 2 submissions from 2 submitters: Pathogenic (1); Likely pathogenic (1). Last evaluated 2025-02-04.

Submissions (2):

GeneDx
Classification: Likely pathogenic. Last evaluated: 2025-02-04. Review status: criteria provided, single submitter. Criteria: GeneDx Variant Classification Process June 2021. Collection method: clinical testing. Allele origin: germline. Affected: yes.
Comment: Reported along with a second variant in the TMPRSS6 gene in a patient with congenital iron deficiency; however, segregation information was not provided (PMID: 29895660); Frameshift variant predicted to result in protein truncation or nonsense mediated decay in a gene for which loss of function is a known mechanism of disease; Not observed at significant frequency in large population cohorts (gnomAD); This variant is associated with the following publications: (PMID: 29895660)

Labcorp Genetics (formerly Invitae), Labcorp
Classification: Pathogenic. Last evaluated: 2025-01-13. Review status: criteria provided, single submitter. Criteria: Invitae Variant Classification Sherloc (09022015). Collection method: clinical testing. Allele origin: germline.
Comment: This sequence change creates a premature translational stop signal (p.Leu671Cysfs*57) in the TMPRSS6 gene. It is expected to result in an absent or disrupted protein product. Loss-of-function variants in TMPRSS6 are known to be pathogenic (PMID: 20232450, 25156943). This variant is present in population databases (no rsID available, gnomAD 0.007%). This premature translational stop signal has been observed in individual(s) with TMPRSS6-related conditions (PMID: 29895660). For these reasons, this variant has been classified as Pathogenic.

Literature cited by the submitters: PubMed 20232450 (cited by Labcorp Genetics (formerly Invitae), Labcorp); PubMed 25156943 (cited by Labcorp Genetics (formerly Invitae), Labcorp); PubMed 29895660 (cited by Labcorp Genetics (formerly Invitae), Labcorp).